The following is an entry in ClinVar:

NM_005051.3(QARS1):c.1189G>C (p.Glu397Gln)

Gene: QARS1 (glutaminyl-tRNA synthetase 1; minus strand). Cytogenetic location: 3p21.31.
Variant type: single nucleotide variant.
Coding change: c.1189G>C on transcript NM_005051.3 (MANE Select); coding-DNA position 1189, G replaced by C.
Protein change: p.Glu397Gln; replaces glutamic acid 397 with glutamine.
Molecular consequence: missense variant. On other transcripts: non-coding transcript variant (1).
Genome position (GRCh38, 1-based): chr3:49,100,067, C>G on the plus strand (G>C on the coding strand, the complement: QARS1 is on the minus strand). VCF-style: chr3-49100067-C-G. GRCh37 (hg19) VCF-style: chr3-49137500-C-G.
Other names: c.1156G>C, p.Glu386Gln (NM_001272073.2); c.1189G>C (NM_005051.1); short protein forms E386Q, E397Q.
Identifiers: ClinVar variation 1306488 (VCV001306488.4), dbSNP rs758759632, ClinGen allele CA2391847.

ClinVar aggregate classification (germline): Uncertain significance. Review status: criteria provided, multiple submitters, no conflicts (2 of 4 stars). 3 submissions from 3 submitters: Uncertain significance (3). Last evaluated 2025-06-06.

Conditions:
Inborn genetic diseases. Identifiers: MedGen C0950123, MeSH D030342.
Diffuse cerebral and cerebellar atrophy - intractable seizures - progressive microcephaly syndrome. Also called: Microcephaly, progressive, with seizures and cerebral and cerebellar atrophy. Identifiers: Orphanet 404437, MedGen C4014239, MONDO:0014335, OMIM 615760.

Allele frequency attached by ClinVar (database versions not stated): ExAC 0.00001; TOPMed 0.00002; gnomAD exomes 0.00001 and 0.00003; gnomAD 0.00001 and 0.00002.
gnomAD v4.1: 50 of 1,614,102 alleles (0.0031%); highest among the groups gnomAD compares: Middle Eastern, 0.016%; no homozygotes.

Submissions (3):

Ambry Genetics
Classification: Uncertain significance for Inborn genetic diseases. Last evaluated: 2025-06-06. Review status: criteria provided, single submitter. Criteria: Ambry Variant Classification Scheme 2023. Collection method: clinical testing. Allele origin: germline.

Labcorp Genetics (formerly Invitae), Labcorp
Classification: Uncertain significance for Diffuse cerebral and cerebellar atrophy - intractable seizures - progressive microcephaly syndrome. Last evaluated: 2022-02-22. Review status: criteria provided, single submitter. Criteria: Invitae Variant Classification Sherloc (09022015). Collection method: clinical testing. Allele origin: germline.
Comment: This sequence change replaces glutamic acid, which is acidic and polar, with glutamine, which is neutral and polar, at codon 397 of the QARS protein (p.Glu397Gln). This variant is present in population databases (rs758759632, gnomAD 0.003%). This variant has not been reported in the literature in individuals affected with QARS-related conditions. ClinVar contains an entry for this variant (Variation ID: 1306488). Algorithms developed to predict the effect of missense changes on protein structure and function are either unavailable or do not agree on the potential impact of this missense change (SIFT: "Tolerated"; PolyPhen-2: "Probably Damaging"; Align-GVGD: "Class C0"). Algorithms developed to predict the effect of sequence changes on RNA splicing suggest that this variant may create or strengthen a splice site. In summary, the available evidence is currently insufficient to determine the role of this variant in disease. Therefore, it has been classified as a Variant of Uncertain Significance.

GeneDx
Classification: Uncertain significance. Last evaluated: 2019-06-17. Review status: criteria provided, single submitter. Criteria: GeneDx Variant Classification Process June 2021. Collection method: clinical testing. Allele origin: germline. Affected: yes.
Comment: Not observed at a significant frequency in large population cohorts (Lek et al., 2016); In silico analysis, which includes protein predictors and evolutionary conservation, supports a deleterious effect; Has not been previously published as pathogenic or benign to our knowledge